The following is an entry in ClinVar:

ClinVar aggregate classification (germline): Pathogenic/Likely pathogenic. Review status: criteria provided, multiple submitters, no conflicts (2 of 4 stars). 17 submissions from 17 submitters: Pathogenic (13); Likely pathogenic (1). 3 of the submissions do not count toward it. Last evaluated 2026-09-01.

Conditions:
Fetal anomalies with a likely genetic cause.
Citrullinemia. Identifiers: Orphanet 187, MedGen C0175683, MONDO:0015991.
ASS1-related disorder. Also called: ASS1-related condition.
Citrullinemia type I (CTNL1). Also called: argininosuccinate synthetase deficiency; ASS DEFICIENCY. Identifiers: Orphanet 247525, MedGen C4721769, MONDO:0008988, OMIM 215700.
Citrullinemia, mild. Identifiers: MedGen C4016834.

Allele frequency attached by ClinVar (database versions not stated): gnomAD 0.00007 and 0.00008; 1000 Genomes Project 0.00020; TOPMed 0.00006; 1000 Genomes Project 30x 0.00016; ExAC 0.00007; gnomAD exomes 0.00009 and 0.00010.
gnomAD v4.1: 156 of 1,614,134 alleles (0.0097%); highest among the groups gnomAD compares: Middle Eastern, 0.05%; no homozygotes.

Submissions (17):

CeGaT Center for Human Genetics Tuebingen
Classification: Pathogenic. Last evaluated: 2026-09-01. Review status: criteria provided, single submitter. Criteria: CeGaT Center For Human Genetics Tuebingen Variant Classification Criteria Version 2. Collection method: clinical testing. Allele origin: germline. Affected: yes. Observed: 2 variant alleles.
Comment: ASS1: PM3:Very Strong, PM2, PP3

Genetics Laboratory, Great Ormond Street Hospital NHS Foundation Trust, North Thames Genomic Laboratory Hub
Classification: Likely pathogenic for Fetal anomalies with a likely genetic cause. Last evaluated: 2026-07-15. Review status: criteria provided, single submitter. Criteria: ACGS Best Practice Guidelines for Variant Classification in Rare Disease 2024 v1.2. Collection method: clinical testing. Allele origin: germline. Affected: yes.
Comment: PM2_moderate, PP3_supporting, PS3_supporting, PM3_moderate

Women's Health and Genetics/Laboratory Corporation of America, LabCorp
Classification: Pathogenic for Citrullinemia type I. Last evaluated: 2026-02-23. Review status: criteria provided, single submitter. Criteria: LabCorp Variant Classification Summary - May 2015. Collection method: clinical testing. Allele origin: germline.
Comment: Variant summary: ASS1 c.535T>C (p.Trp179Arg) results in a non-conservative amino acid change in the encoded protein sequence. Algorithms developed to predict the effect of missense changes on protein structure and function all suggest that this variant is likely to be disruptive. The variant allele was found at a frequency of 8.7e-05 in 251470 control chromosomes. This frequency is not significantly higher than estimated for disease-causing variants in ASS1, allowing no conclusion about variant significance. c.535T>C has been observed in multiple homozygous and compound heterozygous individuals affected with Citrullinemia type I (e.g. Haberle_2003). These data indicate that the variant is very likely to be associated with disease. To our knowledge, no experimental evidence demonstrating an impact on protein function has been reported. The following publication has been ascertained in the context of this evaluation (PMID: 14680976). ClinVar contains an entry for this variant (Variation ID: 6335). Based on the evidence outlined above, the variant was classified as pathogenic.

Labcorp Genetics (formerly Invitae), Labcorp
Classification: Pathogenic for Citrullinemia. Last evaluated: 2025-12-29. Review status: criteria provided, single submitter. Criteria: Invitae Variant Classification Sherloc (09022015). Collection method: clinical testing. Allele origin: germline.
Comment: This sequence change replaces tryptophan, which is neutral and slightly polar, with arginine, which is basic and polar, at codon 179 of the ASS1 protein (p.Trp179Arg). This variant is present in population databases (rs121908646, gnomAD 0.01%). This missense change has been observed in individual(s) with citrullinemia (PMID: 11941481, 12815590, 14680976, 18925679). ClinVar contains an entry for this variant (Variation ID: 6335). Invitae Evidence Modeling of protein sequence and biophysical properties (such as structural, functional, and spatial information, amino acid conservation, physicochemical variation, residue mobility, and thermodynamic stability) indicates that this missense variant is expected to disrupt ASS1 protein function with a positive predictive value of 80%. Experimental studies have shown that this missense change affects ASS1 function (PMID: 18473344). For these reasons, this variant has been classified as Pathogenic.

Natera, Inc.
Classification: Pathogenic for Citrullinemia type I. Last evaluated: 2025-11-07. Review status: criteria provided, single submitter. Criteria: Natera Variant Classification Schema (03/2026). Collection method: clinical testing. Allele origin: germline.
Comment: The c.535T>C variant in ASS1 is a missense variant predicted to cause substitution of tryptophan to arginine at amino acid 179. This variant is rare in the general population with a frequency below the threshold expected for the associated phenotype(s). This variant has been observed in one or more individuals affected with the associated recessive disease, as either homozygous or compound heterozygous with a second variant (PMID: 11941481, 12815590, 18925679, 14680976). Given the available evidence, this variant is classified as Pathogenic.

Dasa
Classification: Pathogenic. Last evaluated: 2025-10-23. Review status: criteria provided, single submitter. Criteria: DASA Assertion Criteria. Collection method: clinical testing. Allele origin: germline.
Comment: NM_054012.4(ASS1):c.535T>C (p.Trp179Arg) is a missense variant that results in the substitution of tryptophan with arginine. Segregation data support an association with disease in the reported family/families (PMID: 11941481; PMID: 12815590; PMID: 14680976; PMID: 18925679). This variant has been recurrently observed in individuals with ASS1-related disorders (PMID: 11941481; PMID: 12815590; PMID: 14680976; PMID: 18925679). Functional evidence supports an impact on the gene or gene product (PMID: 11941481; PMID: 12815590; PMID: 14680976; PMID: 18925679). Also, this variant is rare in population databases. Computational evidence supports a deleterious effect. Based on the currently available evidence, this variant is classified as pathogenic.

PreventionGenetics, part of Exact Sciences
Classification: Pathogenic for ASS1-related condition. Last evaluated: 2025-10-13. Review status: criteria provided, single submitter. Criteria: ACMG Guidelines, 2015. Collection method: clinical testing. Allele origin: germline.
Comment: The ASS1 c.535T>C variant is predicted to result in the amino acid substitution p.Trp179Arg. This variant has been reported in multiple individuals with citrullinemia type I (e.g., Haberle et al. 2002. PubMed ID: 11941481; Gao et al. 2003. PubMed ID: 12815590; Berning et al. 2008. PubMed ID: 18473344; Dimmock et al. 2008. PubMed ID: 18925679; Table S1 in Diez-Fernandez et al. 2017. PubMed ID: 28111830), and the p.Trp179Arg substitution was found to reduce enzyme activity using in vitro studies (Haberle et al. 2002. PubMed ID: 11941481; Berning et al. 2008. PubMed ID: 18473344). This variant is reported in 0.013% of alleles in individuals of European (Non-Finnish) descent in gnomAD and has been interpreted as pathogenic by multiple independent submitters to ClinVar (Variation ID: 6335). Taken together, this variant is interpreted as pathogenic.

Blueprint Genetics
Classification: Pathogenic for ASS1-related disorders. Last evaluated: 2024-10-30. Review status: criteria provided, single submitter. Criteria: ACMG Guidelines, 2015. Collection method: clinical testing. Allele origin: germline. Affected: yes. Observed: 5 variant alleles.

Dubai Health Genomic Medicine Center, Dubai Health
Classification: Pathogenic for Citrullinemia. Last evaluated: 2024-10-04. Review status: criteria provided, single submitter. Criteria: ACMG Guidelines, 2015. Collection method: research. Allele origin: germline. Affected: yes.
Comment: PS3,PM3 (strong), PP3,PM2

Fulgent Genetics
Classification: Pathogenic for Citrullinemia type I. Last evaluated: 2024-02-28. Review status: criteria provided, single submitter. Criteria: ACMG Guidelines, 2015. Collection method: clinical testing. Allele origin: germline.

Laboratory of Medical Genetics, National & Kapodistrian University of Athens
Classification: Pathogenic for Citrullinemia type I. Last evaluated: 2024-02-01. Review status: criteria provided, single submitter. Criteria: ACMG Guidelines, 2015. Collection method: curation. Allele origin: germline. Affected: no.

Revvity Omics, Revvity
Classification: Pathogenic for Citrullinemia type I. Last evaluated: 2021-09-28. Review status: criteria provided, single submitter. Criteria: ACMG Guidelines, 2015. Collection method: clinical testing. Allele origin: germline.

Genome-Nilou Lab
Classification: Pathogenic for Citrullinemia type I. Last evaluated: 2021-07-22. Review status: criteria provided, single submitter. Criteria: ACMG Guidelines, 2015. Collection method: clinical testing. Allele origin: germline. Affected: no.

GeneDx
Classification: Pathogenic. Last evaluated: 2020-08-14. Review status: criteria provided, single submitter. Criteria: GeneDx Variant Classification Process June 2021. Collection method: clinical testing. Allele origin: germline. Affected: yes.
Comment: Published functional studies demonstrate W179R showed intermediate (~6%) residual activity compared to wildtype (PMID: 18473344); Not observed at a significant frequency in large population cohorts (gnomAD); In silico analysis supports that this missense variant has a deleterious effect on protein structure/function; This variant is associated with the following publications: (PMID: 36680390, 36699461, 30090157, 25087612, 11941481, 23099195, 14680976, 12815590, 18925679, 31469252, 34426522, 32778825, 31589614, 33190319, 33726816, 18473344)

Counsyl
Classification: Likely pathogenic for Citrullinemia type I. Last evaluated: 2018-01-19. Review status: no assertion criteria provided. Collection method: clinical testing. Allele origin: unknown. Not counted in ClinVar's aggregate classification.

OMIM
Classification: Pathogenic for CITRULLINEMIA, MILD. Last evaluated: 2002-04-01. Review status: no assertion criteria provided. Collection method: literature only. Allele origin: germline. Not counted in ClinVar's aggregate classification.

GeneReviews
No classification provided. Condition: Citrullinemia type I. Review status: no classification provided. Collection method: literature only. Allele origin: germline. Affected: yes. Not counted in ClinVar's aggregate classification.

Literature cited by the submitters: PubMed 14680976 (cited by 5 submitters); PubMed 11941481 (cited by 5 submitters); PubMed 12815590 (cited by 5 submitters); PubMed 18925679 (cited by 4 submitters); PubMed 18473344 (cited by 3 submitters); PubMed 28111830 (cited by Counsyl); PubMed 23780642 (cited by GeneReviews); NCBI Bookshelf NBK1458 (cited by GeneReviews).

NM_054012.4(ASS1):c.535T>C (p.Trp179Arg)

Gene: ASS1 (argininosuccinate synthase 1; plus strand). Cytogenetic location: 9q34.11.
Variant type: single nucleotide variant.
Coding change: c.535T>C on transcript NM_054012.4 (MANE Select); coding-DNA position 535, T replaced by C.
Protein change: p.Trp179Arg; replaces tryptophan 179 with arginine.
Molecular consequence: missense variant.
Genome position (GRCh38, 1-based): chr9:130,470,873, T>C. VCF-style: chr9-130470873-T-C. GRCh37 (hg19) VCF-style: chr9-133346260-T-C.
Other names: c.535T>C, p.Trp179Arg (NM_000050.4); short protein forms W179R.
Identifiers: ClinVar variation 6335 (VCV000006335.64), dbSNP rs121908646, ClinGen allele CA118130.
Genomic context (GRCh38, chr9:130,470,873, plus strand): 5'-TGTGCTGTCTCTTTCCTGCAGCAACACGGGATTCCCATCCCGGTCACTCCCAAGAACCCG[T>C]GGAGCATGGATGAGAACCTCATGCACATCAGGTAAATCCCACCCTCCACCCATCCTTGGT-3'
Protein context (NP_446464.1, residues 169-189): IPIPVTPKNP[Trp179Arg]SMDENLMHIS